The following is an entry in ClinVar:

NM_021020.5(LZTS1):c.854A>G (p.Glu285Gly)

Gene: LZTS1 (leucine zipper tumor suppressor 1; minus strand). Cytogenetic location: 8p21.3.
Variant type: single nucleotide variant.
Coding change: c.854A>G on transcript NM_021020.5 (MANE Select); coding-DNA position 854, A replaced by G.
Protein change: p.Glu285Gly; replaces glutamic acid 285 with glycine.
Molecular consequence: missense variant.
Genome position (GRCh38, 1-based): chr8:20,253,077, T>C on the plus strand (A>G on the coding strand, the complement: LZTS1 is on the minus strand). VCF-style: chr8-20253077-T-C. GRCh37 (hg19) VCF-style: chr8-20110588-T-C.
Other names: c.854A>G, p.Glu285Gly (NM_001362884.2); short protein forms E285G.
Identifiers: ClinVar variation 2110829 (VCV002110829.4), dbSNP rs766535717, ClinGen allele CA4657426.

ClinVar aggregate classification (germline): Uncertain significance (1 of 4 stars; one submission).

Allele frequency attached by ClinVar (database versions not stated): TOPMed below 0.00001; ExAC 0.00001.
gnomAD v4.1: 1 of 1,609,330 alleles (0.000062%); highest among the groups gnomAD compares: Admixed American, 0.0017%; no homozygotes.

Submission:

Labcorp Genetics (formerly Invitae), Labcorp
Classification: Uncertain significance. Last evaluated: 2022-08-17. Review status: criteria provided, single submitter. Criteria: Invitae Variant Classification Sherloc (09022015). Collection method: clinical testing. Allele origin: germline.
Comment: In summary, the available evidence is currently insufficient to determine the role of this variant in disease. Therefore, it has been classified as a Variant of Uncertain Significance. Algorithms developed to predict the effect of missense changes on protein structure and function are either unavailable or do not agree on the potential impact of this missense change (SIFT: "Deleterious"; PolyPhen-2: "Benign"; Align-GVGD: "Class C0"). This variant has not been reported in the literature in individuals affected with LZTS1-related conditions. This variant is present in population databases (rs766535717, gnomAD 0.003%). This sequence change replaces glutamic acid, which is acidic and polar, with glycine, which is neutral and non-polar, at codon 285 of the LZTS1 protein (p.Glu285Gly).